The following is an entry in ClinVar:

ClinVar aggregate classification (germline): Conflicting classifications of pathogenicity. Review status: criteria provided, conflicting classifications (1 of 4 stars). 2 submissions from 2 submitters: Likely pathogenic (1); Uncertain significance (1). Last evaluated 2025-10-22.

Allele frequency attached by ClinVar (database versions not stated): TOPMed below 0.00001; gnomAD 0.00001; gnomAD exomes 0.00001.
gnomAD v4.1: 13 of 1,605,026 alleles (0.00081%); highest among the groups gnomAD compares: South Asian, 0.0011%; no homozygotes.

Submissions (2):

Women's Health and Genetics/Laboratory Corporation of America, LabCorp
Classification: Uncertain significance. Last evaluated: 2025-10-22. Review status: criteria provided, single submitter. Criteria: LabCorp Variant Classification Summary - May 2015. Collection method: clinical testing. Allele origin: germline.
Comment: Variant summary: TBCD c.2991G>A (p.Thr997Thr) alters a conserved nucleotide located close to a canonical splice site and therefore could affect mRNA splicing, leading to a significantly altered protein sequence. Several computational tools predict a significant impact on normal splicing: Two predict the variant abolishes a 5' splicing donor site. Two predict the variant weakens a 5' donor site. However, these predictions have yet to be confirmed by functional studies. The frequency data for this variant in gnomAD is considered unreliable, as metrics indicate poor data quality at this position. To our knowledge, no occurrence of c.2991G>A in individuals affected with TBCD-related conditions and no experimental evidence demonstrating its impact on protein function have been reported. ClinVar contains an entry for this variant (Variation ID: 1321140). Based on the evidence outlined above, the variant was classified as uncertain significance.

GeneDx
Classification: Likely pathogenic. Last evaluated: 2022-03-01. Review status: criteria provided, single submitter. Criteria: GeneDx Variant Classification Process June 2021. Collection method: clinical testing. Allele origin: germline. Affected: yes.
Comment: Not observed at significant frequency in large population cohorts (gnomAD); Targeted RNA studies using blood from this patient demonstrate that this variant alters RNA splicing, leading to multiple aberrant splice products that include the retention of the first 76 nucleotides of intron 32 or the retention of the entire intron 32 (1021 nucleotides). Both abnormal splice products are predicted to generate premature stop codons, which are predicted to result in protein truncation or nonsense mediated decay. The shorter splice product was detected in the proband and paternal samples, whereas the larger splice product that retained the entire intron 32 was detected at low levels in all three samples, indicating that it may be a naturally occurring isoform.; Has not been previously published as pathogenic or benign to our knowledge

NM_005993.5(TBCD):c.2991G>A (p.Thr997=)

Gene: TBCD (tubulin folding cofactor D). Cytogenetic location: 17q25.3.
Variant type: single nucleotide variant.
Coding change: c.2991G>A on transcript NM_005993.5 (MANE Select); coding-DNA position 2991, G replaced by A.
Protein change: p.Thr997=; no amino-acid change (threonine 997 retained).
Molecular consequence: synonymous variant.
Genome position (GRCh38, 1-based): chr17:82,929,500, G>A. VCF-style: chr17-82929500-G-A. GRCh37 (hg19) VCF-style: chr17-80887376-G-A.
Identifiers: ClinVar variation 1321140 (VCV001321140.4), dbSNP rs1014471246, ClinGen allele CA295301619.